The following is an entry in ClinVar:

NM_001382391.1(CSPP1):c.2099A>G (p.Asn700Ser)

Gene: CSPP1 (centrosome and spindle pole associated protein 1; plus strand). Cytogenetic location: 8q13.2.
Variant type: single nucleotide variant.
Coding change: c.2099A>G on transcript NM_001382391.1 (MANE Select); coding-DNA position 2099, A replaced by G.
Protein change: p.Asn700Ser; replaces asparagine 700 with serine.
Molecular consequence: missense variant. On other transcripts: intron variant (3).
Genome position (GRCh38, 1-based): chr8:67,149,906, A>G. VCF-style: chr8-67149906-A-G. GRCh37 (hg19) VCF-style: chr8-68062141-A-G.
Other names: c.2018A>G, p.Asn673Ser (NM_001363131.2); c.2165A>G, p.Asn722Ser (NM_001364869.1); c.1985A>G, p.Asn662Ser (NM_001364870.1); c.2084A>G, p.Asn695Ser (NM_024790.7); c.1934-4118A>G (NM_001363132.2); c.1853-4118A>G (NM_001363133.2); c.1079-4118A>G (NM_001291339.2); short protein forms N662S, N700S, N673S, N695S, N722S.
Identifiers: ClinVar variation 1504480 (VCV001504480.8), dbSNP rs2129558011, ClinGen allele CA371186828.

ClinVar aggregate classification (germline): Uncertain significance (1 of 4 stars; one submission).

Conditions:
Joubert syndrome 21 (JBTS21). Identifiers: MedGen C3810212, MONDO:0014288, OMIM 615636.

Submission:

Labcorp Genetics (formerly Invitae), Labcorp
Classification: Uncertain significance for Joubert syndrome 21. Last evaluated: 2025-02-17. Review status: criteria provided, single submitter. Criteria: Invitae Variant Classification Sherloc (09022015). Collection method: clinical testing. Allele origin: germline.
Comment: This sequence change replaces asparagine, which is neutral and polar, with serine, which is neutral and polar, at codon 695 of the CSPP1 protein (p.Asn695Ser). This variant is not present in population databases (gnomAD no frequency). This variant has not been reported in the literature in individuals affected with CSPP1-related conditions. ClinVar contains an entry for this variant (Variation ID: 1504480). An algorithm developed to predict the effect of missense changes on protein structure and function outputs the following: PolyPhen-2: "Benign". The serine amino acid residue is found in multiple mammalian species, which suggests that this missense change does not adversely affect protein function. In summary, the available evidence is currently insufficient to determine the role of this variant in disease. Therefore, it has been classified as a Variant of Uncertain Significance.